The following is an entry in ClinVar:

ClinVar aggregate classification (germline): Uncertain significance (1 of 4 stars; one submission).

Allele frequency attached by ClinVar (database versions not stated): gnomAD exomes below 0.00001; TOPMed below 0.00001.
gnomAD v4.1: 2 of 1,613,112 alleles (0.00012%); highest among the groups gnomAD compares: Non-Finnish European, 0.00017%; no homozygotes.

Submission:

Labcorp Genetics (formerly Invitae), Labcorp
Classification: Uncertain significance. Last evaluated: 2022-03-15. Review status: criteria provided, single submitter. Criteria: Invitae Variant Classification Sherloc (09022015). Collection method: clinical testing. Allele origin: germline.
Comment: This sequence change replaces alanine, which is neutral and non-polar, with glycine, which is neutral and non-polar, at codon 609 of the DHX34 protein (p.Ala609Gly). This variant is not present in population databases (gnomAD no frequency). This variant has not been reported in the literature in individuals affected with DHX34-related conditions. Algorithms developed to predict the effect of missense changes on protein structure and function are either unavailable or do not agree on the potential impact of this missense change (SIFT: "Deleterious"; PolyPhen-2: "Possibly Damaging"; Align-GVGD: "Class C0"). In summary, the available evidence is currently insufficient to determine the role of this variant in disease. Therefore, it has been classified as a Variant of Uncertain Significance.

NM_014681.6(DHX34):c.1826C>G (p.Ala609Gly)

Gene: DHX34 (DExH-box helicase 34; plus strand). Cytogenetic location: 19q13.32.
Variant type: single nucleotide variant.
Coding change: c.1826C>G on transcript NM_014681.6 (MANE Select); coding-DNA position 1826, C replaced by G.
Protein change: p.Ala609Gly; replaces alanine 609 with glycine.
Molecular consequence: missense variant.
Genome position (GRCh38, 1-based): chr19:47,372,787, C>G. VCF-style: chr19-47372787-C-G. GRCh37 (hg19) VCF-style: chr19-47876044-C-G.
Other names: short protein forms A609G.
Identifiers: ClinVar variation 2163208 (VCV002163208.1), dbSNP rs1970006214, ClinGen allele CA406567865.